The following is an entry in ClinVar:

ClinVar aggregate classification (germline): Benign/Likely benign. Review status: criteria provided, multiple submitters, no conflicts (2 of 4 stars). 9 submissions from 9 submitters: Benign (2); Likely benign (6). 1 of the submissions does not count toward it. Last evaluated 2026-09-01.

Conditions:
KARS1-related disorder. Also called: KARS1-related disorders.

Allele frequency attached by ClinVar (database versions not stated): 1000 Genomes Project 0.00060; 1000 Genomes Project 30x 0.00062; ExAC 0.00139; gnomAD exomes 0.00149; gnomAD 0.00196 and 0.00204; TOPMed 0.00208; ESP Exome Variant Server 0.00231.
gnomAD v4.1: 4,707 of 1,613,744 alleles (0.29%); highest among the groups gnomAD compares: Non-Finnish European, 0.38%; 12 homozygotes.

Submissions (9):

CeGaT Center for Human Genetics Tuebingen
Classification: Benign. Last evaluated: 2026-09-01. Review status: criteria provided, single submitter. Criteria: CeGaT Center For Human Genetics Tuebingen Variant Classification Criteria Version 2. Collection method: clinical testing. Allele origin: germline. Affected: yes. Observed: 22 variant alleles.
Comment: KARS1: BS1, BS2

Labcorp Genetics (formerly Invitae), Labcorp
Classification: Likely benign. Last evaluated: 2026-02-01. Review status: criteria provided, single submitter. Criteria: Invitae Variant Classification Sherloc (09022015). Collection method: clinical testing. Allele origin: germline.

Mayo Clinic Laboratories, Mayo Clinic
Classification: Likely benign. Last evaluated: 2025-05-08. Review status: criteria provided, single submitter. Criteria: ACMG Guidelines, 2015. Collection method: clinical testing. Allele origin: germline. Observed: 17 variant alleles.
Comment: BS1_supporting, BS2_supporting

Women's Health and Genetics/Laboratory Corporation of America, LabCorp
Classification: Likely benign. Last evaluated: 2024-12-10. Review status: criteria provided, single submitter. Criteria: LabCorp Variant Classification Summary - May 2015. Collection method: clinical testing. Allele origin: germline.
Comment: Variant summary: KARS1 c.1342C>T (p.Arg448Cys) results in a non-conservative amino acid change located in the tRNA synthetases class II (D, K and N) domain (IPR004364) of the encoded protein sequence. Three of four in-silico tools predict a damaging effect of the variant on protein function. The variant allele was found at a frequency of 0.0029 in 1613744 control chromosomes in the gnomAD database, including 12 homozygotes. The observed variant frequency is approximately 2.61 fold of the estimated maximal expected allele frequency for a pathogenic variant in KARS1 causing Leukoencephalopathy, progressive, infantile-onset, with or without deafness phenotype (0.0011). c.1342C>T has been reported in the presumed heterozygous state in the literature in association with hereditary motor neuropathy (example, Antoniadi_2015) without strong evidence for causality. These report(s) do not provide unequivocal conclusions about association of the variant with KARS1-related conditions. To our knowledge, no experimental evidence demonstrating an impact on protein function has been reported. ClinVar contains an entry for this variant (Variation ID: 226679). Based on the evidence outlined above, the variant was classified as likely benign.

Blueprint Genetics
Classification: Likely benign. Last evaluated: 2024-11-14. Review status: criteria provided, single submitter. Criteria: ACMG Guidelines, 2015. Collection method: clinical testing. Allele origin: germline.

ARUP Laboratories, Molecular Genetics and Genomics, ARUP Laboratories
Classification: Likely benign. Last evaluated: 2023-10-14. Review status: criteria provided, single submitter. Criteria: ARUP Molecular Germline Variant Investigation Process 2024. Collection method: clinical testing. Allele origin: germline.

GeneDx
Classification: Likely benign. Last evaluated: 2020-12-09. Review status: criteria provided, single submitter. Criteria: GeneDx Variant Classification Process June 2021. Collection method: clinical testing. Allele origin: germline. Affected: yes.
Comment: This variant is associated with the following publications: (PMID: 26762739)

Laboratory for Molecular Medicine, Mass General Brigham Personalized Medicine
Classification: Benign. Last evaluated: 2014-11-24. Review status: criteria provided, single submitter. Criteria: LMM Criteria. Collection method: clinical testing. Allele origin: germline. Observed: 4 variant alleles.
Comment: Arg448Cys in exon 11 of KARS: This variant is not expected to have clinical sign ificance because it has been identified in 0.3% (26/8600) of European American c hromosomes from a broad population by the NHLBI Exome Sequencing Project (dbSNP rs77573084).

PreventionGenetics, part of Exact Sciences
Classification: Likely benign for KARS1-related condition. Last evaluated: 2022-02-11. Review status: no assertion criteria provided. Collection method: clinical testing. Allele origin: germline. Not counted in ClinVar's aggregate classification.
Comment: This variant is classified as likely benign based on ACMG/AMP sequence variant interpretation guidelines (Richards et al. 2015 PMID: 25741868, with internal and published modifications).

Literature cited by the submitters: PubMed 26392352 (cited by Mayo Clinic Laboratories, Mayo Clinic and Women's Health and Genetics/Laboratory Corporation of America, LabCorp); PubMed 26762739 (cited by Mayo Clinic Laboratories, Mayo Clinic).

NM_005548.3(KARS1):c.1258C>T (p.Arg420Cys)

Gene: KARS1 (lysyl-tRNA synthetase 1; minus strand). Cytogenetic location: 16q23.1.
Variant type: single nucleotide variant.
Coding change: c.1258C>T on transcript NM_005548.3 (MANE Select); coding-DNA position 1258, C replaced by T.
Protein change: p.Arg420Cys; replaces arginine 420 with cysteine.
Molecular consequence: missense variant.
Genome position (GRCh38, 1-based): chr16:75,631,248, G>A on the plus strand (C>T on the coding strand, the complement: KARS1 is on the minus strand). VCF-style: chr16-75631248-G-A. GRCh37 (hg19) VCF-style: chr16-75665146-G-A.
Other names: p.Arg420Cys; c.1258C>T (NM_005548.2); c.1342C>T, p.Arg448Cys (NM_001130089.2); c.790C>T, p.Arg264Cys (NM_001378148.1); short protein forms R448C, R420C, R264C.
Identifiers: ClinVar variation 226679 (VCV000226679.67), dbSNP rs77573084, ClinGen allele CA8177330.